The following is an entry in ClinVar:

ClinVar aggregate classification (germline): Likely benign. Review status: criteria provided, single submitter (1 of 4 stars). 2 submissions from 2 submitters: Likely benign (1). 1 of the submissions does not count toward it. Last evaluated 2016-02-23.

Conditions:
Autosomal recessive nonsyndromic hearing loss 18A. Also called: Deafness, autosomal recessive 18A; DEAFNESS, AUTOSOMAL RECESSIVE 18. Identifiers: Orphanet 90636, MedGen C1865870, MONDO:0011192, OMIM 602092.
Usher syndrome type 1C. Also called: USHER SYNDROME, TYPE I, ACADIAN VARIETY. Identifiers: Orphanet 231169, Orphanet 886, MedGen C1848604, MONDO:0010171, OMIM 276904.

Allele frequency attached by ClinVar (database versions not stated): gnomAD exomes 0.00001; gnomAD 0.00003; ExAC 0.00005.
gnomAD v4.1: 23 of 1,565,912 alleles (0.0015%); highest among the groups gnomAD compares: Middle Eastern, 0.017%; no homozygotes.

Submissions (2):

Laboratory for Molecular Medicine, Mass General Brigham Personalized Medicine
Classification: Likely benign. Last evaluated: 2016-02-23. Review status: criteria provided, single submitter. Criteria: LMM Criteria. Collection method: clinical testing. Allele origin: germline. Observed: 1 variant allele.
Comment: p.Pro516Pro in exon 18 of USH1C: This variant is not expected to have clinical s ignificance because it does not alter an amino acid residue and is not located w ithin the splice consensus sequence. It has been identified in 3/61356 European chromosomes by the Exome Aggregation Consortium (ExAC; dbSNP rs780428813).

Counsyl
Classification: Likely benign for Usher syndrome type 1C; Autosomal recessive nonsyndromic hearing loss 18A. Last evaluated: 2017-10-17. Review status: no assertion criteria provided. Collection method: clinical testing. Allele origin: unknown. Not counted in ClinVar's aggregate classification.

NM_153676.4(USH1C):c.1548G>A (p.Pro516=)

Gene: USH1C (USH1 protein network component harmonin; minus strand). Cytogenetic location: 11p15.1.
Variant type: single nucleotide variant.
Coding change: c.1548G>A on transcript NM_153676.4 (MANE Select); coding-DNA position 1548, G replaced by A.
Protein change: p.Pro516=; no amino-acid change (proline 516 retained).
Molecular consequence: synonymous variant. On other transcripts: intron variant (2).
Genome position (GRCh38, 1-based): chr11:17,509,821, C>T on the plus strand (G>A on the coding strand, the complement: USH1C is on the minus strand). VCF-style: chr11-17509821-C-T. GRCh37 (hg19) VCF-style: chr11-17531368-C-T.
Other names: c.1227+7580G>A (NM_001297764.2); c.1284+7580G>A (NM_005709.4).
Identifiers: ClinVar variation 228193 (VCV000228193.6), dbSNP rs780428813, ClinGen allele CA5904507.